The following is an entry in ClinVar:

ClinVar aggregate classification (germline): Uncertain significance (1 of 4 stars; one submission).

Conditions:
Cutis laxa, autosomal recessive, type 1B (ARCL1B). Also called: EFEMP2-Related Cutis Laxa; CUTIS LAXA, AUTOSOMAL RECESSIVE, TYPE IB. Identifiers: Orphanet 90349, MedGen C3280798, MONDO:0013754, OMIM 614437. Disease mechanism: loss of function.

Allele frequency attached by ClinVar (database versions not stated): gnomAD exomes below 0.00001; ExAC 0.00001.
gnomAD v4.1: 3 of 1,613,994 alleles (0.00019%); highest among the groups gnomAD compares: Non-Finnish European, 0.00025%; no homozygotes.

Submission:

Labcorp Genetics (formerly Invitae), Labcorp
Classification: Uncertain significance for Cutis laxa, autosomal recessive, type 1B. Last evaluated: 2021-12-01. Review status: criteria provided, single submitter. Criteria: Invitae Variant Classification Sherloc (09022015). Collection method: clinical testing. Allele origin: germline.
Comment: This sequence change replaces arginine, which is basic and polar, with histidine, which is basic and polar, at codon 135 of the EFEMP2 protein (p.Arg135His). This variant is present in population databases (rs773352910, gnomAD 0.0009%). This variant has not been reported in the literature in individuals affected with EFEMP2-related conditions. Algorithms developed to predict the effect of missense changes on protein structure and function are either unavailable or do not agree on the potential impact of this missense change (SIFT: "Deleterious"; PolyPhen-2: "Possibly Damaging"; Align-GVGD: "Class C0"). In summary, the available evidence is currently insufficient to determine the role of this variant in disease. Therefore, it has been classified as a Variant of Uncertain Significance.

NM_016938.5(EFEMP2):c.404G>A (p.Arg135His)

Gene: EFEMP2 (EGF-like fibulin extracellular matrix protein 2; minus strand). Cytogenetic location: 11q13.1.
Variant type: single nucleotide variant.
Coding change: c.404G>A on transcript NM_016938.5 (MANE Select); coding-DNA position 404, G replaced by A.
Protein change: p.Arg135His; replaces arginine 135 with histidine.
Molecular consequence: missense variant. On other transcripts: non-coding transcript variant (1).
Genome position (GRCh38, 1-based): chr11:65,870,622, C>T on the plus strand (G>A on the coding strand, the complement: EFEMP2 is on the minus strand). VCF-style: chr11-65870622-C-T. GRCh37 (hg19) VCF-style: chr11-65638093-C-T.
Other names: short protein forms R135H.
Identifiers: ClinVar variation 1445186 (VCV001445186.3), dbSNP rs773352910, ClinGen allele CA6110675.